The following is an entry in ClinVar:

NM_005068.3(SIM1):c.606C>A (p.Asp202Glu)

Gene: SIM1 (SIM bHLH transcription factor 1; minus strand). Cytogenetic location: 6q16.3.
Variant type: single nucleotide variant.
Coding change: c.606C>A on transcript NM_005068.3 (MANE Select); coding-DNA position 606, C replaced by A.
Protein change: p.Asp202Glu; replaces aspartic acid 202 with glutamic acid.
Molecular consequence: missense variant.
Genome position (GRCh38, 1-based): chr6:100,448,616, G>T on the plus strand (C>A on the coding strand, the complement: SIM1 is on the minus strand). VCF-style: chr6-100448616-G-T. GRCh37 (hg19) VCF-style: chr6-100896492-G-T.
Other names: c.606C>A, p.Asp202Glu (NM_001374769.1); short protein forms D202E.
Identifiers: ClinVar variation 3318541 (VCV003318541.2).

ClinVar aggregate classification (germline): Uncertain significance. Review status: criteria provided, single submitter (1 of 4 stars). 2 submissions from 2 submitters: Uncertain significance (1). 1 of the submissions does not count toward it. Last evaluated 2024-03-28.

Conditions:
Inborn genetic diseases. Identifiers: MedGen C0950123, MeSH D030342.
SIM1-related disorder. Also called: SIM1-related condition; SIM1-related disorders.

Submissions (2):

Ambry Genetics
Classification: Uncertain significance for Inborn genetic diseases. Last evaluated: 2024-03-28. Review status: criteria provided, single submitter. Criteria: Ambry Variant Classification Scheme 2023. Collection method: clinical testing. Allele origin: germline.

PreventionGenetics, part of Exact Sciences
Classification: Uncertain significance for SIM1-related condition. Last evaluated: 2024-09-07. Review status: no assertion criteria provided. Collection method: clinical testing. Allele origin: germline. Not counted in ClinVar's aggregate classification.
Comment: The SIM1 c.606C>A variant is predicted to result in the amino acid substitution p.Asp202Glu. To our knowledge, this variant has not been reported in the literature or in a large population database, indicating this variant is rare. At this time, the clinical significance of this variant is uncertain due to the absence of conclusive functional and genetic evidence.